The following is an entry in ClinVar:

ClinVar aggregate classification (germline): Uncertain significance (1 of 4 stars; one submission).

Allele frequency attached by ClinVar (database versions not stated): gnomAD exomes below 0.00001.

Submission:

GeneDx
Classification: Uncertain significance. Last evaluated: 2025-10-13. Review status: criteria provided, single submitter. Criteria: GeneDx Variant Classification Process June 2021. Collection method: clinical testing. Allele origin: germline. Affected: yes.
Comment: Has not been previously published as pathogenic or benign to our knowledge; In silico analysis supports that this missense variant has a deleterious effect on protein structure/function

NM_001005273.3(CHD3):c.5438C>T (p.Ala1813Val)

Gene: CHD3 (chromodomain helicase DNA binding protein 3; plus strand). Cytogenetic location: 17p13.1.
Variant type: single nucleotide variant.
Coding change: c.5438C>T on transcript NM_001005273.3 (MANE Select); coding-DNA position 5438, C replaced by T.
Protein change: p.Ala1813Val; replaces alanine 1813 with valine.
Molecular consequence: missense variant.
Genome position (GRCh38, 1-based): chr17:7,909,186, C>T. VCF-style: chr17-7909186-C-T. GRCh37 (hg19) VCF-style: chr17-7812504-C-T.
Other names: c.5615C>T, p.Ala1872Val (NM_001005271.3); c.5336C>T, p.Ala1779Val (NM_005852.4); short protein forms A1779V, A1813V, A1872V.
Identifiers: ClinVar variation 1303833 (VCV001303833.4), dbSNP rs1336103222, ClinGen allele CA397949958.